The following is an entry in ClinVar:

ClinVar aggregate classification (germline): Uncertain significance (1 of 4 stars; one submission).

gnomAD v4.1: 33 of 1,613,052 alleles (0.002%); highest among the groups gnomAD compares: African/African-American, 0.0053%; no homozygotes.

Submission:

Labcorp Genetics (formerly Invitae), Labcorp
Classification: Uncertain significance. Last evaluated: 2025-10-29. Review status: criteria provided, single submitter. Criteria: Invitae Variant Classification Sherloc (09022015). Collection method: clinical testing. Allele origin: germline.
Comment: This sequence change replaces aspartic acid, which is acidic and polar, with glutamic acid, which is acidic and polar, at codon 154 of the KMT2A protein (p.Asp154Glu). This variant is present in population databases (no rsID available, gnomAD 0.007%). This variant has not been reported in the literature in individuals affected with KMT2A-related conditions. Invitae Evidence Modeling of protein sequence and biophysical properties (such as structural, functional, and spatial information, amino acid conservation, physicochemical variation, residue mobility, and thermodynamic stability) indicates that this missense variant is not expected to disrupt KMT2A protein function with a negative predictive value of 95%. In summary, the available evidence is currently insufficient to determine the role of this variant in disease. Therefore, it has been classified as a Variant of Uncertain Significance.

NM_001197104.2(KMT2A):c.462T>G (p.Asp154Glu)

Gene: KMT2A (lysine methyltransferase 2A; plus strand). Cytogenetic location: 11q23.3.
Variant type: single nucleotide variant.
Coding change: c.462T>G on transcript NM_001197104.2 (MANE Select); coding-DNA position 462, T replaced by G.
Protein change: p.Asp154Glu; replaces aspartic acid 154 with glutamic acid.
Molecular consequence: missense variant.
Genome position (GRCh38, 1-based): chr11:118,468,804, T>G. VCF-style: chr11-118468804-T-G. GRCh37 (hg19) VCF-style: chr11-118339519-T-G.
Other names: c.561T>G, p.Asp187Glu (NM_001412597.1); c.462T>G, p.Asp154Glu (NM_005933.4); short protein forms D154E, D187E.
Identifiers: ClinVar variation 4766784 (VCV004766784.1).
Genomic context (GRCh38, chr11:118,468,804, plus strand): 5'-CTGATTTTAAAATAATTTTCCTTTGTTGTAGGATGAGCAATTCTTAGGTTTTGGCTCAGA[T>G]GAAGAAGTCAGAGTGCGAAGTCCCACAAGGTCTCCTTCAGGTACGGCCAATTAAGTGCAT-3'
Protein context (NP_001184033.1, residues 144-164): EDEQFLGFGS[Asp154Glu]EEVRVRSPTR